The following is an entry in ClinVar:

ClinVar aggregate classification (germline): Uncertain significance (1 of 4 stars; one submission).

Conditions:
Hereditary cancer-predisposing syndrome. Also called: Neoplastic Syndromes, Hereditary; Tumor predisposition; Hereditary neoplastic syndrome; Hereditary Cancer Syndrome. Identifiers: Orphanet 140162, MedGen C0027672, MeSH D009386, MONDO:0015356.

Submission:

Ambry Genetics
Classification: Uncertain significance for Hereditary cancer-predisposing syndrome. Last evaluated: 2026-07-07. Review status: criteria provided, single submitter. Criteria: Ambry Variant Classification Scheme 2023. Collection method: clinical testing. Allele origin: germline.
Comment: The p.Y460N variant (also known as c.1378T>A), located in coding exon 5 of the AXIN2 gene, results from a T to A substitution at nucleotide position 1378. The tyrosine at codon 460 is replaced by asparagine, an amino acid with dissimilar properties. This amino acid position is conserved. In addition, this alteration is predicted to be tolerated by in silico analysis. Based on the available evidence, the clinical significance of this variant remains unclear.

NM_004655.4(AXIN2):c.1378T>A (p.Tyr460Asn)

Gene: AXIN2 (axin 2; minus strand). Cytogenetic location: 17q24.1.
Variant type: single nucleotide variant.
Coding change: c.1378T>A on transcript NM_004655.4 (MANE Select); coding-DNA position 1378, T replaced by A.
Protein change: p.Tyr460Asn; replaces tyrosine 460 with asparagine.
Molecular consequence: missense variant.
Genome position (GRCh38, 1-based): chr17:65,537,658, A>T on the plus strand (T>A on the coding strand, the complement: AXIN2 is on the minus strand). VCF-style: chr17-65537658-A-T. GRCh37 (hg19) VCF-style: chr17-63533776-A-T.
Other names: c.1378T>A, p.Tyr460Asn (NM_001363813.1); short protein forms Y460N.
Identifiers: ClinVar variation 5032612 (VCV005032612.1).